The following is an entry in ClinVar:

ClinVar aggregate classification (germline): Uncertain significance. Review status: criteria provided, multiple submitters, no conflicts (2 of 4 stars). 3 submissions from 3 submitters: Uncertain significance (3). Last evaluated 2025-09-09.

Conditions:
DICER1-related tumor predisposition. Also called: DICER1 syndrome; DICER1-related pleuropulmonary blastoma cancer predisposition syndrome. Identifiers: Orphanet 284343, MedGen C3839822, MONDO:0100216.
Hereditary cancer-predisposing syndrome. Also called: Tumor predisposition; Hereditary neoplastic syndrome; Neoplastic Syndromes, Hereditary; Hereditary Cancer Syndrome. Identifiers: Orphanet 140162, MedGen C0027672, MeSH D009386, MONDO:0015356.

Allele frequency attached by ClinVar (database versions not stated): gnomAD exomes below 0.00001; TOPMed below 0.00001.
gnomAD v4.1: 2 of 1,613,464 alleles (0.00012%); highest among the groups gnomAD compares: Non-Finnish European, 0.000085%; no homozygotes.

Submissions (3):

Ambry Genetics
Classification: Uncertain significance for Hereditary cancer-predisposing syndrome. Last evaluated: 2025-09-09. Review status: criteria provided, single submitter. Criteria: Ambry Variant Classification Scheme 2023. Collection method: clinical testing. Allele origin: germline.
Comment: The p.V121A variant (also known as c.362T>C), located in coding exon 3 of the DICER1 gene, results from a T to C substitution at nucleotide position 362. The valine at codon 121 is replaced by alanine, an amino acid with similar properties. This amino acid position is highly conserved in available vertebrate species. In addition, the in silico prediction for this alteration is inconclusive. Based on the available evidence, the clinical significance of this variant remains unclear.

Labcorp Genetics (formerly Invitae), Labcorp
Classification: Uncertain significance for DICER1-related tumor predisposition. Last evaluated: 2024-12-23. Review status: criteria provided, single submitter. Criteria: Invitae Variant Classification Sherloc (09022015). Collection method: clinical testing. Allele origin: germline.
Comment: This sequence change replaces valine, which is neutral and non-polar, with alanine, which is neutral and non-polar, at codon 121 of the DICER1 protein (p.Val121Ala). This variant is not present in population databases (gnomAD no frequency). This variant has not been reported in the literature in individuals affected with DICER1-related conditions. ClinVar contains an entry for this variant (Variation ID: 1379417). Invitae Evidence Modeling of protein sequence and biophysical properties (such as structural, functional, and spatial information, amino acid conservation, physicochemical variation, residue mobility, and thermodynamic stability) indicates that this missense variant is not expected to disrupt DICER1 protein function with a negative predictive value of 95%. In summary, the available evidence is currently insufficient to determine the role of this variant in disease. Therefore, it has been classified as a Variant of Uncertain Significance.

Quest Diagnostics Nichols Institute San Juan Capistrano
Classification: Uncertain significance. Last evaluated: 2024-08-24. Review status: criteria provided, single submitter. Criteria: Quest Diagnostics criteria. Collection method: clinical testing. Allele origin: unknown.
Comment: The DICER1 c.362T>C (p.Val121Ala) variant has not been reported in individuals with DICER1-related conditions in the published literature. It also has not been reported in large, multi-ethnic general populations (Genome Aggregation Database). Analysis of this variant using bioinformatics tools for the prediction of the effect of amino acid changes on protein structure and function yielded predictions that this variant is damaging. Based on the available information, we are unable to determine the clinical significance of this variant.

NM_177438.3(DICER1):c.362T>C (p.Val121Ala)

Gene: DICER1 (dicer 1, ribonuclease III; minus strand). Cytogenetic location: 14q32.13.
Variant type: single nucleotide variant.
Coding change: c.362T>C on transcript NM_177438.3 (MANE Select); coding-DNA position 362, T replaced by C.
Protein change: p.Val121Ala; replaces valine 121 with alanine.
Molecular consequence: missense variant.
Genome position (GRCh38, 1-based): chr14:95,131,585, A>G on the plus strand (T>C on the coding strand, the complement: DICER1 is on the minus strand). VCF-style: chr14-95131585-A-G. GRCh37 (hg19) VCF-style: chr14-95597922-A-G.
Other names: c.362T>C, p.Val121Ala (NM_001195573.1, NM_001271282.3, NM_001291628.2 and 1 more transcripts); c.362T>C (NM_177438.2); short protein forms V121A.
Identifiers: ClinVar variation 1379417 (VCV001379417.9), dbSNP rs1893954828, ClinGen allele CA390889177.